The following is an entry in ClinVar:

ClinVar aggregate classification (germline): Conflicting classifications of pathogenicity. Review status: criteria provided, conflicting classifications (1 of 4 stars). 6 submissions from 6 submitters: Uncertain significance (5); Likely benign (1). Last evaluated 2026-09-21.

Conditions:
DSP-related disorder. Also called: DSP-related condition; DSP-related disorders.
Arrhythmogenic cardiomyopathy with wooly hair and keratoderma. Also called: Arrhythmogenic cardiomyopathy with woolly hair and keratoderma; Carvajal syndrome; PALMOPLANTAR KERATODERMA WITH LEFT VENTRICULAR CARDIOMYOPATHY AND WOOLLY HAIR; Dilated cardiomyopathy with woolly hair and keratoderma. Identifiers: Orphanet 65282, MedGen C1854063, MONDO:0011581, OMIM 605676.
Arrhythmogenic right ventricular dysplasia 8 (ARVD8). Also called: ARRHYTHMOGENIC RIGHT VENTRICULAR DYSPLASIA, FAMILIAL, 8; Arrhythmogenic Right Ventricular Dysplasia/Cardiomyopathy 8; ARRHYTHMOGENIC RIGHT VENTRICULAR CARDIOMYOPATHY 8. Identifiers: MedGen C1843896, MONDO:0011831, OMIM 607450.
Cardiomyopathy (CMYO). Also called: Cardiomyopathies. Identifiers: Orphanet 167848, MedGen C0878544, MONDO:0004994, HP:0001638. Inheritance: Various modes of inheritance.

gnomAD v4.1: 7 of 1,614,044 alleles (0.00043%); highest among the groups gnomAD compares: Middle Eastern, 0.099%; no homozygotes.

Submissions (6):

Molecular Diagnostic Laboratory for Inherited Cardiovascular Disease, Montreal Heart Institute
Classification: Likely benign. Last evaluated: 2026-09-21. Review status: criteria provided, single submitter. Criteria: ACMG Guidelines, 2015. Collection method: clinical testing. Allele origin: germline. Affected: no.
Comment: BS1, BP4

PreventionGenetics, part of Exact Sciences
Classification: Uncertain significance for DSP-related condition. Last evaluated: 2025-12-03. Review status: criteria provided, single submitter. Criteria: ACMG Guidelines, 2015. Collection method: clinical testing. Allele origin: germline.
Comment: The DSP c.1970C>T variant is predicted to result in the amino acid substitution p.Thr657Ile. To our knowledge, this variant has not been reported in the literature or in a large population database (gnomAD), indicating this variant is rare. At this time, the clinical significance of this variant is uncertain due to the absence of conclusive functional and genetic evidence.

All of Us Research Program, National Institutes of Health
Classification: Uncertain significance for Arrhythmogenic cardiomyopathy with wooly hair and keratoderma. Last evaluated: 2024-09-11. Review status: criteria provided, single submitter. Criteria: ACMG Guidelines, 2015. Collection method: clinical testing. Allele origin: germline. Inheritance: Autosomal dominant inheritance. Observed: 3 variant alleles, 3 heterozygotes.
Comment: This missense variant replaces threonine with isoleucine at codon 657 of the DSP protein. Computational prediction suggests that this variant may not impact protein structure and function (internally defined REVEL score threshold <= 0.5, PMID: 27666373). To our knowledge, functional studies have not been reported for this variant. This variant has not been reported in individuals affected with cardiovascular disorders in the literature. This variant has not been identified in the general population by the Genome Aggregation Database (gnomAD). The available evidence is insufficient to determine the role of this variant in disease conclusively. Therefore, this variant is classified as a Variant of Uncertain Significance.

This study involves interpretation of variants in research participants for the purpose of population health screening. Participant phenotype was not available at the time of variant classification. Additional details can be found in publication PMID: 35346344, PMCID: PMC8962531

Color Diagnostics, LLC DBA Color Health
Classification: Uncertain significance for Cardiomyopathy. Last evaluated: 2024-03-06. Review status: criteria provided, single submitter. Criteria: ACMG Guidelines, 2015. Collection method: clinical testing. Allele origin: germline.
Comment: This missense variant replaces threonine with isoleucine at codon 657 of the DSP protein. Computational prediction suggests that this variant may not impact protein structure and function (internally defined REVEL score threshold <= 0.5, PMID: 27666373). To our knowledge, functional studies have not been reported for this variant. This variant has not been reported in individuals affected with cardiovascular disorders in the literature. This variant has not been identified in the general population by the Genome Aggregation Database (gnomAD). The available evidence is insufficient to determine the role of this variant in disease conclusively. Therefore, this variant is classified as a Variant of Uncertain Significance.

CHEO Genetics Diagnostic Laboratory, Children's Hospital of Eastern Ontario
Classification: Uncertain significance for Cardiomyopathy. Last evaluated: 2023-06-07. Review status: criteria provided, single submitter. Criteria: ACMG Guidelines, 2015. Collection method: clinical testing. Allele origin: germline.

Labcorp Genetics (formerly Invitae), Labcorp
Classification: Uncertain significance for Arrhythmogenic cardiomyopathy with wooly hair and keratoderma; Arrhythmogenic right ventricular dysplasia 8. Last evaluated: 2023-05-22. Review status: criteria provided, single submitter. Criteria: Invitae Variant Classification Sherloc (09022015). Collection method: clinical testing. Allele origin: germline.
Comment: ClinVar contains an entry for this variant (Variation ID: 919020). Algorithms developed to predict the effect of missense changes on protein structure and function output the following: SIFT: "Not Available"; PolyPhen-2: "Benign"; Align-GVGD: "Not Available". The isoleucine amino acid residue is found in multiple mammalian species, which suggests that this missense change does not adversely affect protein function. In summary, the available evidence is currently insufficient to determine the role of this variant in disease. Therefore, it has been classified as a Variant of Uncertain Significance. This sequence change replaces threonine, which is neutral and polar, with isoleucine, which is neutral and non-polar, at codon 657 of the DSP protein (p.Thr657Ile). This variant is not present in population databases (gnomAD no frequency). This variant has not been reported in the literature in individuals affected with DSP-related conditions.

NM_004415.4(DSP):c.1970C>T (p.Thr657Ile)

Gene: DSP (desmoplakin; plus strand). Cytogenetic location: 6p24.3.
Variant type: single nucleotide variant.
Coding change: c.1970C>T on transcript NM_004415.4 (MANE Select); coding-DNA position 1970, C replaced by T.
Protein change: p.Thr657Ile; replaces threonine 657 with isoleucine.
Molecular consequence: missense variant.
Genome position (GRCh38, 1-based): chr6:7,571,908, C>T. VCF-style: chr6-7571908-C-T. GRCh37 (hg19) VCF-style: chr6-7572141-C-T.
Other names: c.1970C>T, p.Thr657Ile (NM_001008844.3, NM_001319034.2); c.1970C>T (NM_004415.3); short protein forms T657I.
Identifiers: ClinVar variation 919020 (VCV000919020.19), dbSNP rs1014373689, ClinGen allele CA133960362.